The following is an entry in ClinVar:

NM_000532.5(PCCB):c.180G>A (p.Lys60=)

Gene: PCCB (propionyl-CoA carboxylase subunit beta; plus strand). Cytogenetic location: 3q22.3.
Variant type: single nucleotide variant.
Coding change: c.180G>A on transcript NM_000532.5 (MANE Select); coding-DNA position 180, G replaced by A.
Protein change: p.Lys60=; no amino-acid change (lysine 60 retained).
Molecular consequence: synonymous variant.
Genome position (GRCh38, 1-based): chr3:136,250,555, G>A. VCF-style: chr3-136250555-G-A. GRCh37 (hg19) VCF-style: chr3-135969397-G-A.
Other names: c.180G>A, p.Lys60= (NM_001178014.2).
Identifiers: ClinVar variation 706453 (VCV000706453.22), dbSNP rs140636870, ClinGen allele CA2631601.

ClinVar aggregate classification (germline): Conflicting classifications of pathogenicity. Review status: criteria provided, conflicting classifications (1 of 4 stars). 5 submissions from 5 submitters: Uncertain significance (1); Likely benign (3). 1 of the submissions does not count toward it. Last evaluated 2026-03-01.

Conditions:
Propionic acidemia (PROP). Also called: GLYCINEMIA, KETOTIC; HYPERGLYCINEMIA WITH KETOACIDOSIS AND LEUKOPENIA; KETOTIC HYPERGLYCINEMIA. Identifiers: Orphanet 35, MedGen C0268579, MONDO:0011628, OMIM 606054, HP:0003571.

Allele frequency attached by ClinVar (database versions not stated): gnomAD exomes 0.00003 and 0.00007; ExAC 0.00009; gnomAD 0.00027 and 0.00031; ESP Exome Variant Server 0.00031; TOPMed 0.00034.
gnomAD v4.1: 92 of 1,611,754 alleles (0.0057%); highest among the groups gnomAD compares: African/African-American, 0.11%; no homozygotes.

Submissions (5):

CeGaT Center for Human Genetics Tuebingen
Classification: Likely benign. Last evaluated: 2026-03-01. Review status: criteria provided, single submitter. Criteria: CeGaT Center For Human Genetics Tuebingen Variant Classification Criteria Version 2. Collection method: clinical testing. Allele origin: germline. Affected: yes. Observed: 2 variant alleles.
Comment: PCCB: BP4, BP7

Labcorp Genetics (formerly Invitae), Labcorp
Classification: Likely benign for Propionic acidemia. Last evaluated: 2026-01-26. Review status: criteria provided, single submitter. Criteria: Invitae Variant Classification Sherloc (09022015). Collection method: clinical testing. Allele origin: germline.

GeneDx
Classification: Likely benign. Last evaluated: 2021-06-19. Review status: criteria provided, single submitter. Criteria: GeneDx Variant Classification Process June 2021. Collection method: clinical testing. Allele origin: germline. Affected: yes.

Elsea Laboratory, Baylor College of Medicine
Classification: Uncertain significance for Propionic acidemia. Last evaluated: 2020-04-01. Review status: criteria provided, single submitter. Criteria: ACMG Guidelines, 2015. Collection method: clinical testing. Allele origin: germline. Affected: no.

Natera, Inc.
Classification: Likely benign for Propionic acidemia. Last evaluated: 2020-04-22. Review status: no assertion criteria provided. Collection method: clinical testing. Allele origin: germline. Not counted in ClinVar's aggregate classification.